The following is an entry in ClinVar:

NM_005228.5(EGFR):c.1255G>C (p.Ala419Pro)

Gene: EGFR (epidermal growth factor receptor; plus strand). Cytogenetic location: 7p11.2.
Variant type: single nucleotide variant.
Coding change: c.1255G>C on transcript NM_005228.5 (MANE Select); coding-DNA position 1255, G replaced by C.
Protein change: p.Ala419Pro; replaces alanine 419 with proline.
Molecular consequence: missense variant.
Genome position (GRCh38, 1-based): chr7:55,157,710, G>C. VCF-style: chr7-55157710-G-C. GRCh37 (hg19) VCF-style: chr7-55225403-G-C.
Other names: c.1120G>C, p.Ala374Pro (NM_001346897.2, NM_001346899.2); c.1255G>C, p.Ala419Pro (NM_001346898.2, NM_201282.2, NM_201284.2); c.1096G>C, p.Ala366Pro (NM_001346900.2); c.454G>C, p.Ala152Pro (NM_001346941.2); short protein forms A152P, A366P, A419P, A374P.
Identifiers: ClinVar variation 4741104 (VCV004741104.1).

ClinVar aggregate classification (germline): Uncertain significance (1 of 4 stars; one submission).

Conditions:
EGFR-related lung cancer (EGFR). Identifiers: MedGen CN130014.

Submission:

Labcorp Genetics (formerly Invitae), Labcorp
Classification: Uncertain significance for EGFR-related lung cancer. Last evaluated: 2025-03-25. Review status: criteria provided, single submitter. Criteria: Invitae Variant Classification Sherloc (09022015). Collection method: clinical testing. Allele origin: germline.
Comment: This sequence change replaces alanine, which is neutral and non-polar, with proline, which is neutral and non-polar, at codon 419 of the EGFR protein (p.Ala419Pro). This variant is not present in population databases (gnomAD no frequency). This variant has not been reported in the literature in individuals affected with EGFR-related conditions. Invitae Evidence Modeling of protein sequence and biophysical properties (such as structural, functional, and spatial information, amino acid conservation, physicochemical variation, residue mobility, and thermodynamic stability) indicates that this missense variant is not expected to disrupt EGFR protein function with a negative predictive value of 80%. In summary, the available evidence is currently insufficient to determine the role of this variant in disease. Therefore, it has been classified as a Variant of Uncertain Significance.